The following is an entry in ClinVar:

NM_000135.4(FANCA):c.2059G>A (p.Val687Ile)

Gene: FANCA (FA complementation group A; minus strand). Cytogenetic location: 16q24.3.
Variant type: single nucleotide variant.
Coding change: c.2059G>A on transcript NM_000135.4 (MANE Select); coding-DNA position 2059, G replaced by A.
Protein change: p.Val687Ile; replaces valine 687 with isoleucine.
Molecular consequence: missense variant.
Genome position (GRCh38, 1-based): chr16:89,771,770, C>T on the plus strand (G>A on the coding strand, the complement: FANCA is on the minus strand). VCF-style: chr16-89771770-C-T. GRCh37 (hg19) VCF-style: chr16-89838178-C-T.
Other names: c.2059G>A, p.Val687Ile (NM_001286167.3); short protein forms V687I.
Identifiers: ClinVar variation 2161258 (VCV002161258.2), dbSNP rs2039334796, ClinGen allele CA397448552.

ClinVar aggregate classification (germline): Uncertain significance. Review status: criteria provided, multiple submitters, no conflicts (2 of 4 stars). 2 submissions from 2 submitters: Uncertain significance (2). Last evaluated 2024-11-26.

Conditions:
Fanconi anemia (FA). Also called: Fanconi's anemia. Identifiers: Orphanet 84, MedGen C0015625, MeSH D005199, MONDO:0019391.
Inborn genetic diseases. Identifiers: MedGen C0950123, MeSH D030342.

Allele frequency attached by ClinVar (database versions not stated): gnomAD exomes below 0.00001.
gnomAD v4.1: 2 of 1,614,100 alleles (0.00012%); highest among the groups gnomAD compares: Middle Eastern, 0.017%; no homozygotes.

Submissions (2):

Ambry Genetics
Classification: Uncertain significance for Inborn genetic diseases. Last evaluated: 2024-11-26. Review status: criteria provided, single submitter. Criteria: Ambry Variant Classification Scheme 2023. Collection method: clinical testing. Allele origin: germline.
Comment: The p.V687I variant (also known as c.2059G>A), located in coding exon 23 of the FANCA gene, results from a G to A substitution at nucleotide position 2059. The valine at codon 687 is replaced by isoleucine, an amino acid with highly similar properties. This amino acid position is conserved. In addition, this alteration is predicted to be tolerated by in silico analysis. Based on the available evidence, the clinical significance of this variant remains unclear.

Labcorp Genetics (formerly Invitae), Labcorp
Classification: Uncertain significance for Fanconi anemia. Last evaluated: 2022-04-05. Review status: criteria provided, single submitter. Criteria: Invitae Variant Classification Sherloc (09022015). Collection method: clinical testing. Allele origin: germline.
Comment: This sequence change replaces valine, which is neutral and non-polar, with isoleucine, which is neutral and non-polar, at codon 687 of the FANCA protein (p.Val687Ile). This variant is not present in population databases (gnomAD no frequency). This variant has not been reported in the literature in individuals affected with FANCA-related conditions. Advanced modeling of protein sequence and biophysical properties (such as structural, functional, and spatial information, amino acid conservation, physicochemical variation, residue mobility, and thermodynamic stability) performed at Invitae indicates that this missense variant is not expected to disrupt FANCA protein function. In summary, the available evidence is currently insufficient to determine the role of this variant in disease. Therefore, it has been classified as a Variant of Uncertain Significance.